The following is an entry in ClinVar:

NM_000352.6(ABCC8):c.2041-25G>A

Gene: ABCC8 (ATP binding cassette subfamily C member 8; minus strand). Cytogenetic location: 11p15.1.
Variant type: single nucleotide variant.
Coding change: c.2041-25G>A on transcript NM_000352.6 (MANE Select); 25 bases into the intron before coding-DNA position 2041, G replaced by A.
Molecular consequence: intron variant.
Genome position (GRCh38, 1-based): chr11:17,427,967, C>T on the plus strand (G>A on the coding strand, the complement: ABCC8 is on the minus strand). VCF-style: chr11-17427967-C-T. GRCh37 (hg19) VCF-style: chr11-17449514-C-T.
Other names: c.2038-25G>A (NM_001351297.2, NM_001351296.2); c.2107-25G>A (NM_001351295.2); c.2041-25G>A (NM_001287174.3).
Identifiers: ClinVar variation 556172 (VCV000556172.3), dbSNP rs1554924660, ClinGen allele CA658822183.

ClinVar aggregate classification (germline): Uncertain significance. Review status: criteria provided, single submitter (1 of 4 stars). 3 submissions from 2 submitters: Uncertain significance (2). 1 of the submissions does not count toward it.

Conditions:
Transitory neonatal diabetes mellitus. Also called: Transient neonatal diabetes mellitus. Identifiers: MedGen C0342273, MONDO:0020525, HP:0008255.
Maturity-onset diabetes of the young (MODY). Also called: Maturity onset diabetes mellitus in young. Identifiers: Orphanet 552, MedGen C0342276, MONDO:0018911, HP:0004904.
Hyperinsulinemic hypoglycemia, familial, 1 (HHF1). Also called: Persistent hyperinsulinemic hypoglycemia of infancy; HYPERINSULINISM, FAMILIAL, WITH PANCREATIC NESIDIOBLASTOSIS; HYPOGLYCEMIA, HYPERINSULINEMIC, OF INFANCY; NESIDIOBLASTOSIS OF PANCREAS; Persistent Hyperinsulinemia Hypoglycemia of Infancy. Identifiers: Orphanet 276575, Orphanet 276598, MedGen C2931832, MONDO:0009734, OMIM 256450.

Submissions (3):

Clinical Genomics, Uppaluri K&H Personalized Medicine Clinic
Classification: Uncertain significance for Maturity-onset diabetes of the young. Review status: criteria provided, single submitter. Criteria: K & H Uppaluri Personalized Medicine Clinic Variant Classification & Assertion Criteria_Updated V.1. Collection method: research. Allele origin: unknown. Inheritance: Somatic mutation.
Comment: Mutations in ABCC8 gene are associated with both neonatal diabetes mellitus as well as MODY. Patients with this mutation may have a better response to sulfonylureas. However, no sufficient evidence is found to ascertain the role of this particular variant (rs1554924660) in MODY yet.

Clinical Genomics, Uppaluri K&H Personalized Medicine Clinic
Classification: Uncertain significance for Transitory neonatal diabetes mellitus. Review status: criteria provided, single submitter. Criteria: K & H Uppaluri Personalized Medicine Clinic Variant Classification & Assertion Criteria_Updated V.1. Collection method: research. Allele origin: unknown. Inheritance: Somatic mutation.
Comment: Mutations in ABCC8 gene are associated with both neonatal diabetes mellitus as well as MODY. Patients with this mutation may have a better response to sulfonylureas. However, no sufficient evidence is found to ascertain the role of this particular variant (rs1554924660) in neonatal diabetes yet.

Counsyl
Classification: Uncertain significance for Hyperinsulinemic hypoglycemia, familial, 1. Last evaluated: 2018-01-16. Review status: no assertion criteria provided. Collection method: clinical testing. Allele origin: unknown. Not counted in ClinVar's aggregate classification.

Literature cited by the submitters: PubMed 16885549 (cited by Clinical Genomics, Uppaluri K&H Personalized Medicine Clinic); PubMed 21989597 (cited by Clinical Genomics, Uppaluri K&H Personalized Medicine Clinic); PubMed 27538677 (cited by Clinical Genomics, Uppaluri K&H Personalized Medicine Clinic); PubMed 18981553 (cited by Clinical Genomics, Uppaluri K&H Personalized Medicine Clinic); PubMed 32027066 (cited by Clinical Genomics, Uppaluri K&H Personalized Medicine Clinic); PubMed 16613899 (cited by Clinical Genomics, Uppaluri K&H Personalized Medicine Clinic); PubMed 18025408 (cited by Clinical Genomics, Uppaluri K&H Personalized Medicine Clinic); PubMed 32792356 (cited by Clinical Genomics, Uppaluri K&H Personalized Medicine Clinic); PubMed 24072082 (cited by Counsyl).